The following is an entry in ClinVar:

NM_182916.3(TRNT1):c.463A>G (p.Ile155Val)

Gene: TRNT1 (tRNA nucleotidyl transferase 1; plus strand). Cytogenetic location: 3p26.2.
Variant type: single nucleotide variant.
Coding change: c.463A>G on transcript NM_182916.3 (MANE Select); coding-DNA position 463, A replaced by G.
Protein change: p.Ile155Val; replaces isoleucine 155 with valine.
Molecular consequence: missense variant. On other transcripts: non-coding transcript variant (6).
Genome position (GRCh38, 1-based): chr3:3,140,630, A>G. VCF-style: chr3-3140630-A-G. GRCh37 (hg19) VCF-style: chr3-3182314-A-G.
Other names: c.463A>G, p.Ile155Val (LRG_1314t1, NM_001302946.2, NM_001367321.1 and 2 more transcripts); short protein forms I155V.
Identifiers: ClinVar variation 642907 (VCV000642907.4), dbSNP rs770395497, ClinGen allele CA2228656.

ClinVar aggregate classification (germline): Uncertain significance. Review status: criteria provided, multiple submitters, no conflicts (2 of 4 stars). 2 submissions from 2 submitters: Uncertain significance (2). Last evaluated 2026-01-26.

Conditions:
Inborn genetic diseases. Identifiers: MedGen C0950123, MeSH D030342.
Congenital sideroblastic anemia-B-cell immunodeficiency-periodic fever-developmental delay syndrome. Also called: Sideroblastic anemia with B-cell immunodeficiency, periodic fevers, and developmental delay. Identifiers: Orphanet 369861, MedGen C4015172, MONDO:0014487, OMIM 616084.

Allele frequency attached by ClinVar (database versions not stated): gnomAD exomes 0.00002; TOPMed 0.00002; gnomAD 0.00003.
gnomAD v4.1: 26 of 1,613,908 alleles (0.0016%); highest among the groups gnomAD compares: Non-Finnish European, 0.002%; no homozygotes.

Submissions (2):

Labcorp Genetics (formerly Invitae), Labcorp
Classification: Uncertain significance for Congenital sideroblastic anemia-B-cell immunodeficiency-periodic fever-developmental delay syndrome. Last evaluated: 2026-01-26. Review status: criteria provided, single submitter. Criteria: Invitae Variant Classification Sherloc (09022015). Collection method: clinical testing. Allele origin: germline.
Comment: This sequence change replaces isoleucine, which is neutral and non-polar, with valine, which is neutral and non-polar, at codon 155 of the TRNT1 protein (p.Ile155Val). This variant is present in population databases (rs770395497, gnomAD 0.003%). This variant has not been reported in the literature in individuals affected with TRNT1-related conditions. ClinVar contains an entry for this variant (Variation ID: 642907). Invitae Evidence Modeling of protein sequence and biophysical properties (such as structural, functional, and spatial information, amino acid conservation, physicochemical variation, residue mobility, and thermodynamic stability) indicates that this missense variant is not expected to disrupt TRNT1 protein function with a negative predictive value of 80%. In summary, the available evidence is currently insufficient to determine the role of this variant in disease. Therefore, it has been classified as a Variant of Uncertain Significance.

Ambry Genetics
Classification: Uncertain significance for Inborn genetic diseases. Last evaluated: 2021-11-09. Review status: criteria provided, single submitter. Criteria: Ambry Variant Classification Scheme 2023. Collection method: clinical testing. Allele origin: germline.